The following is an entry in ClinVar:

NM_000043.6(FAS):c.814G>T (p.Glu272Ter)

Gene: FAS (Fas cell surface death receptor; plus strand). Cytogenetic location: 10q23.31.
Variant type: single nucleotide variant.
Coding change: c.814G>T on transcript NM_000043.6 (MANE Select); coding-DNA position 814, G replaced by T.
Protein change: p.Glu272Ter; replaces glutamic acid 272 with a stop codon.
Molecular consequence: nonsense. On other transcripts: 3 prime UTR variant (2), non-coding transcript variant (7).
Genome position (GRCh38, 1-based): chr10:89,014,256, G>T. VCF-style: chr10-89014256-G-T. GRCh37 (hg19) VCF-style: chr10-90774013-G-T.
Other names: c.*137G>T (NM_001320619.2); c.859G>T, p.Glu287Ter (NM_001410956.1); c.751G>T, p.Glu251Ter (NM_152871.4); c.*126G>T (NM_152872.4); short protein forms E251*, E272*, E287*.
Identifiers: ClinVar variation 4875008 (VCV004875008.2).

ClinVar aggregate classification (germline): Likely pathogenic (1 of 4 stars; one submission).

Submission:

CeGaT Center for Human Genetics Tuebingen
Classification: Likely pathogenic. Last evaluated: 2026-05-01. Review status: criteria provided, single submitter. Criteria: CeGaT Center For Human Genetics Tuebingen Variant Classification Criteria Version 2. Collection method: clinical testing. Allele origin: germline. Affected: yes. Observed: 1 variant allele.
Comment: FAS: PVS1:Strong, PM2